The following is an entry in ClinVar:

NM_005609.4(PYGM):c.160T>G (p.Phe54Val)

Gene: PYGM (glycogen phosphorylase, muscle associated; minus strand). Cytogenetic location: 11q13.1.
Variant type: single nucleotide variant.
Coding change: c.160T>G on transcript NM_005609.4 (MANE Select); coding-DNA position 160, T replaced by G.
Protein change: p.Phe54Val; replaces phenylalanine 54 with valine.
Molecular consequence: missense variant.
Genome position (GRCh38, 1-based): chr11:64,759,739, A>C on the plus strand (T>G on the coding strand, the complement: PYGM is on the minus strand). VCF-style: chr11-64759739-A-C. GRCh37 (hg19) VCF-style: chr11-64527211-A-C.
Other names: p.Phe54Val; c.160T>G, p.Phe54Val (NM_001164716.1); short protein forms F54V.
Identifiers: ClinVar variation 580278 (VCV000580278.62), dbSNP rs148839812, ClinGen allele CA6080357.

ClinVar aggregate classification (germline): Uncertain significance. Review status: criteria provided, multiple submitters, no conflicts (2 of 4 stars). 14 submissions from 14 submitters: Uncertain significance (11). 3 of the submissions do not count toward it. Last evaluated 2026-02-01.

Conditions:
Tip-toe gait. Also called: Toe walking. Identifiers: MedGen C0427144, HP:0030051.
High myopia. Also called: Severe Myopia. Identifiers: MedGen C0271183, HP:0011003.
Inborn genetic diseases. Identifiers: MedGen C0950123, MeSH D030342.
Glycogen storage disease, type V (GSD5). Also called: MCARDLE DISEASE; MUSCLE GLYCOGEN PHOSPHORYLASE DEFICIENCY; MYOPHOSPHORYLASE DEFICIENCY; PYGM DEFICIENCY; McArdle type glycogen storage disease. Identifiers: Orphanet 368, MedGen C0017924, MONDO:0009293, OMIM 232600.

Allele frequency attached by ClinVar (database versions not stated): gnomAD exomes 0.00031; ExAC 0.00034; TOPMed 0.00034; gnomAD 0.00046; ESP Exome Variant Server 0.00062.

Submissions (14):

CeGaT Center for Human Genetics Tuebingen
Classification: Uncertain significance. Last evaluated: 2026-02-01. Review status: criteria provided, single submitter. Criteria: CeGaT Center For Human Genetics Tuebingen Variant Classification Criteria Version 2. Collection method: clinical testing. Allele origin: germline. Affected: yes. Observed: 3 variant alleles.
Comment: PYGM: PM2, PP3

Revvity Omics, Revvity
Classification: Uncertain significance for Glycogen storage disease, type V. Last evaluated: 2025-08-04. Review status: criteria provided, single submitter. Criteria: ACMG Guidelines, 2015. Collection method: clinical testing. Allele origin: germline.

Blueprint Genetics
Classification: Uncertain significance. Last evaluated: 2024-10-29. Review status: criteria provided, single submitter. Criteria: ACMG Guidelines, 2015. Collection method: clinical testing. Allele origin: germline.

GeneDx
Classification: Uncertain significance. Last evaluated: 2024-09-24. Review status: criteria provided, single submitter. Criteria: GeneDx Variant Classification Process June 2021. Collection method: clinical testing. Allele origin: germline. Affected: yes.
Comment: In silico analysis supports that this missense variant has a deleterious effect on protein structure/function; Has not been previously published as pathogenic or benign to our knowledge

Department of Human Genetics, Hannover Medical School
Classification: Uncertain significance for Glycogen storage disease, type V. Last evaluated: 2024-09-19. Review status: criteria provided, single submitter. Criteria: ACMG Guidelines, 2015. Collection method: clinical testing. Allele origin: germline. Affected: yes.
Comment: ACMG: PP3

Women's Health and Genetics/Laboratory Corporation of America, LabCorp
Classification: Uncertain significance. Last evaluated: 2024-08-09. Review status: criteria provided, single submitter. Criteria: LabCorp Variant Classification Summary - May 2015. Collection method: clinical testing. Allele origin: germline.
Comment: Variant summary: PYGM c.160T>G (p.Phe54Val) results in a non-conservative amino acid change in the encoded protein sequence. Four of five in-silico tools predict a damaging effect of the variant on protein function. The variant allele was found at a frequency of 0.00031 in 251470 control chromosomes, predominantly at a frequency of 0.00062 within the Non-Finnish European subpopulation in the gnomAD database. This frequency is not significantly higher than estimated for a pathogenic variant in PYGM causing Glycogen Storage Disease, Type V (0.00031 vs 0.0035), allowing no conclusion about variant significance. To our knowledge, no occurrence of c.160T>G in individuals affected with Glycogen Storage Disease, Type V and no experimental evidence demonstrating its impact on protein function have been reported. ClinVar contains an entry for this variant (Variation ID: 580278). Based on the evidence outlined above, the variant was classified as uncertain significance.

Ambry Genetics
Classification: Uncertain significance for Inborn genetic diseases. Last evaluated: 2024-04-01. Review status: criteria provided, single submitter. Criteria: Ambry Variant Classification Scheme 2023. Collection method: clinical testing. Allele origin: germline.

ARUP Laboratories, Molecular Genetics and Genomics, ARUP Laboratories
Classification: Uncertain significance for Glycogen storage disease, type V. Last evaluated: 2023-10-17. Review status: criteria provided, single submitter. Criteria: ARUP Molecular Germline Variant Investigation Process 2024. Collection method: clinical testing. Allele origin: germline.
Comment: The PYGM c.160T>G; p.Phe54Val variant (rs148839812), to our knowledge, is not reported in the medical literature but is reported in ClinVar (Variation ID: 580278). This variant is found in the non-Finnish European population with an allele frequency of 0.08% (99/129170 alleles) in the Genome Aggregation Database. Computational analyses predict that this variant is deleterious (REVEL: 0.736). Due to limited information, the clinical significance of this variant is uncertain at this time.

Labcorp Genetics (formerly Invitae), Labcorp
Classification: Uncertain significance for Glycogen storage disease, type V. Last evaluated: 2022-10-16. Review status: criteria provided, single submitter. Criteria: Invitae Variant Classification Sherloc (09022015). Collection method: clinical testing. Allele origin: germline.
Comment: This sequence change replaces phenylalanine, which is neutral and non-polar, with valine, which is neutral and non-polar, at codon 54 of the PYGM protein (p.Phe54Val). This variant is present in population databases (rs148839812, gnomAD 0.08%). This variant has not been reported in the literature in individuals affected with PYGM-related conditions. ClinVar contains an entry for this variant (Variation ID: 580278). Advanced modeling of protein sequence and biophysical properties (such as structural, functional, and spatial information, amino acid conservation, physicochemical variation, residue mobility, and thermodynamic stability) performed at Invitae indicates that this missense variant is not expected to disrupt PYGM protein function. In summary, the available evidence is currently insufficient to determine the role of this variant in disease. Therefore, it has been classified as a Variant of Uncertain Significance.

Mayo Clinic Laboratories, Mayo Clinic
Classification: Uncertain significance. Last evaluated: 2022-03-22. Review status: criteria provided, single submitter. Criteria: ACMG Guidelines, 2015. Collection method: clinical testing. Allele origin: germline. Observed: 1 variant allele.
Comment: PM2

Fulgent Genetics
Classification: Uncertain significance for Glycogen storage disease, type V. Last evaluated: 2018-10-31. Review status: criteria provided, single submitter. Criteria: ACMG Guidelines, 2015. Collection method: clinical testing. Allele origin: unknown.

Natera, Inc.
Classification: Uncertain significance for Glycogen storage disease V. Last evaluated: 2020-01-24. Review status: no assertion criteria provided. Collection method: clinical testing. Allele origin: germline. Not counted in ClinVar's aggregate classification.

Institute of Human Genetics, Polish Academy of Sciences
Classification: Uncertain significance for Severe Myopia. Last evaluated: 2018-12-17. Review status: no assertion criteria provided. Collection method: research. Allele origin: unknown. Affected: yes. Not counted in ClinVar's aggregate classification.

Practice for Gait Abnormalities, David Pomarino, Competency Network Toe Walking C/o Practice Pomarino
Classification: Likely pathogenic for Tip-toe gait. Last evaluated: 2022-09-30. Review status: flagged submission. Collection method: clinical testing. Allele origin: germline. Affected: yes. Not counted in ClinVar's aggregate classification.
Comment: Toe Walking has various causes, ranging from idiopathic or habitual reasons to an underlying neuromuscular disease. The most observed form of toe walking is idiopathic toe walking (ITW) - a diagnosis of exclusion. ITW occurs in about 5% of children after their second birthday and is a common problem in pediatric orthopedics. In about 70% of these cases, there is spontaneous remission within six months of the onset of ITW. If the toe walk persists, one can assume the presence of a non-idiopathic form of toe walk (n-ITW). In n-ITW, the causes of the abnormal gait are neurological or myogenic. Differential diagnoses such as infantile cerebral palsy, muscular dystrophy, spinal amyotrophy and hereditary motor-sensory neuropathy as well as rare metabolic disorders of the musculature must be considered (Pomarino et al., 2018). In our clinical ITW consultation, we screen children with n-ITW for a genetic form of tiptoe gait using next generation sequencing for gene variants in 49 genes. These are genes in which gene variants can lead to neuromuscular diseases in which an association with toe-tapping gait has been reported or can be suspected due to patients’ clinical symptoms. To the best of our knowledge, this is the first study in which several patients with toe walking displayed heterozygosity for pathogenic or likely pathogenic PYGM mutations and mild symptoms of the metabolic muscle disease McArdle. The findings of our research are in line with recently published observations in heterozygous family members patients with McArdle disease. We should mention that some of the patients in our cohort harbored heterozygous variants in other genes of our gene panel. However, the numbers in this study were too small to workout any resulting combined genetic effects. It is concluded that genetic conditions can contribute to the development of toe walking. Apparently, even a slight genetic weakening of the muscles can lead to changes to the gait pattern. Future studies must show how the pathomechanism can be explained for the PYGM variants and whether there are new therapeutic approaches to be developed based on this research.
ClinVar note: Notes: This gene has insufficient supporting evidence for isolated Tip-Toe Gait.
ClinVar note: Reason: Claim with insufficient supporting evidence

Literature cited by the submitters: PubMed 29881221 (cited by Practice for Gait Abnormalities, David Pomarino, Competency Network Toe Walking C/o Practice Pomarino); DOI 10.1016/j.rchot.2016.09.001 (cited by Practice for Gait Abnormalities, David Pomarino, Competency Network Toe Walking C/o Practice Pomarino); DOI 10.51793/OS.2022.25.6.010 (cited by Practice for Gait Abnormalities, David Pomarino, Competency Network Toe Walking C/o Practice Pomarino).